The following is an entry in ClinVar:

ClinVar aggregate classification (germline): Conflicting classifications of pathogenicity. Review status: criteria provided, conflicting classifications (1 of 4 stars). 3 submissions from 3 submitters: Uncertain significance (2); Likely benign (1). Last evaluated 2025-11-18.

Conditions:
Hereditary cancer-predisposing syndrome. Also called: Hereditary neoplastic syndrome; Tumor predisposition; Neoplastic Syndromes, Hereditary; Hereditary Cancer Syndrome. Identifiers: Orphanet 140162, MedGen C0027672, MeSH D009386, MONDO:0015356.

Allele frequency attached by ClinVar (database versions not stated): gnomAD 0.00006.
gnomAD v4.1: 4 of 1,613,526 alleles (0.00025%); highest among the groups gnomAD compares: African/African-American, 0.004%; no homozygotes.

Submissions (3):

Ambry Genetics
Classification: Likely benign for Hereditary cancer-predisposing syndrome. Last evaluated: 2025-11-18. Review status: criteria provided, single submitter. Criteria: Ambry Variant Classification Scheme 2023. Collection method: clinical testing. Allele origin: germline.

Labcorp Genetics (formerly Invitae), Labcorp
Classification: Uncertain significance. Last evaluated: 2025-11-03. Review status: criteria provided, single submitter. Criteria: Invitae Variant Classification Sherloc (09022015). Collection method: clinical testing. Allele origin: germline.
Comment: This sequence change replaces arginine, which is basic and polar, with leucine, which is neutral and non-polar, at codon 2149 of the POLE protein (p.Arg2149Leu). This variant is present in population databases (rs201165149, gnomAD 0.02%). This variant has not been reported in the literature in individuals affected with POLE-related conditions. ClinVar contains an entry for this variant (Variation ID: 420849). Invitae Evidence Modeling of protein sequence and biophysical properties (such as structural, functional, and spatial information, amino acid conservation, physicochemical variation, residue mobility, and thermodynamic stability) indicates that this missense variant is not expected to disrupt POLE protein function with a negative predictive value of 80%. In summary, the available evidence is currently insufficient to determine the role of this variant in disease. Therefore, it has been classified as a Variant of Uncertain Significance.

GeneDx
Classification: Uncertain significance. Last evaluated: 2016-04-01. Review status: criteria provided, single submitter. Criteria: GeneDx Variant Classification (06012015). Collection method: clinical testing. Allele origin: germline. Affected: yes.
Comment: This variant is denoted POLE c.6446G>T at the cDNA level, p.Arg2149Leu (R2149L) at the protein level, and results in the change of an Arginine to a Leucine (CGC>CTC). This variant has not, to our knowledge, been published in the literature as pathogenic or benign. POLE Arg2149Leu was not observed in approximately 6,500 individuals of European and African American ancestry in the NHLBI Exome Sequencing Project, suggesting it is not a common benign variant in these populations. Since Arginine and Leucine differ in polarity, charge, size or other properties, this is considered a non-conservative amino acid substitution. POLE Arg2149Leu occurs at a position that is not conserved and is located in the zinc finger domains (Tahirov 2009). In silico analyses are inconsistent regarding the effect this variant may have on protein structure and function. Based on currently available evidence, it is unclear whether POLE Arg2149Leu is a pathogenic or benign variant. We consider it to be a variant of uncertain significance.

NM_006231.4(POLE):c.6446G>T (p.Arg2149Leu)

Gene: POLE (DNA polymerase epsilon, catalytic subunit; minus strand). Cytogenetic location: 12q24.33.
Variant type: single nucleotide variant.
Coding change: c.6446G>T on transcript NM_006231.4 (MANE Select); coding-DNA position 6446, G replaced by T.
Protein change: p.Arg2149Leu; replaces arginine 2149 with leucine.
Molecular consequence: missense variant.
Genome position (GRCh38, 1-based): chr12:132,626,202, C>A on the plus strand (G>T on the coding strand, the complement: POLE is on the minus strand). VCF-style: chr12-132626202-C-A. GRCh37 (hg19) VCF-style: chr12-133202788-C-A.
Other names: short protein forms R2149L.
Identifiers: ClinVar variation 420849 (VCV000420849.13), dbSNP rs201165149, ClinGen allele CA6892176.